The following is an entry in ClinVar:

NM_002528.7(NTHL1):c.446G>A (p.Arg149Gln)

Gene: NTHL1 (nth like DNA glycosylase 1; minus strand). Cytogenetic location: 16p13.3.
Variant type: single nucleotide variant.
Coding change: c.446G>A on transcript NM_002528.7 (MANE Select); coding-DNA position 446, G replaced by A.
Protein change: p.Arg149Gln; replaces arginine 149 with glutamine.
Molecular consequence: missense variant. On other transcripts: intron variant (1).
Genome position (GRCh38, 1-based): chr16:2,044,709, C>T on the plus strand (G>A on the coding strand, the complement: NTHL1 is on the minus strand). VCF-style: chr16-2044709-C-T. GRCh37 (hg19) VCF-style: chr16-2094710-C-T.
Other names: c.116G>A, p.Arg39Gln (NM_001318194.2); c.355-983G>A (NM_001318193.2); c.446G>A, p.Arg149Gln (LRG_1366t1); short protein forms R39Q, R149Q.
Identifiers: ClinVar variation 645021 (VCV000645021.19), dbSNP rs150437839, ClinGen allele CA7828255.

ClinVar aggregate classification (germline): Conflicting classifications of pathogenicity. Review status: criteria provided, conflicting classifications (1 of 4 stars). 6 submissions from 6 submitters: Uncertain significance (5); Likely benign (1). Last evaluated 2025-12-24.

Conditions:
Hereditary cancer-predisposing syndrome. Also called: Neoplastic Syndromes, Hereditary; Hereditary Cancer Syndrome; Tumor predisposition; Hereditary neoplastic syndrome. Identifiers: Orphanet 140162, MedGen C0027672, MeSH D009386, MONDO:0015356.
Familial adenomatous polyposis 3. Also called: NTHL1-associated polyposis; NTHL1-related attenuated familial adenomatous polyposis; NTHL1-Related Adenomatous Polyposis and Colorectal Cancer; NTHL1 Tumor Syndrome. Identifiers: Orphanet 220460, Orphanet 454840, MedGen C4225157, MONDO:0014630, OMIM 616415.

Allele frequency attached by ClinVar (database versions not stated): TOPMed 0.00001; gnomAD 0.00003; 1000 Genomes Project 30x 0.00016; 1000 Genomes Project 0.00020.

Submissions (6):

Labcorp Genetics (formerly Invitae), Labcorp
Classification: Uncertain significance. Last evaluated: 2025-12-24. Review status: criteria provided, single submitter. Criteria: Invitae Variant Classification Sherloc (09022015). Collection method: clinical testing. Allele origin: germline.
Comment: This sequence change replaces arginine, which is basic and polar, with glutamine, which is neutral and polar, at codon 157 of the NTHL1 protein (p.Arg157Gln). This variant is present in population databases (rs150437839, gnomAD 0.02%). This variant has not been reported in the literature in individuals affected with NTHL1-related conditions. ClinVar contains an entry for this variant (Variation ID: 645021). An algorithm developed to predict the effect of missense changes on protein structure and function outputs the following: PolyPhen-2: "Benign". The glutamine amino acid residue is found in multiple mammalian species, which suggests that this missense change does not adversely affect protein function. In summary, the available evidence is currently insufficient to determine the role of this variant in disease. Therefore, it has been classified as a Variant of Uncertain Significance.

GeneDx
Classification: Uncertain significance. Last evaluated: 2025-07-23. Review status: criteria provided, single submitter. Criteria: GeneDx Variant Classification Process June 2021. Collection method: clinical testing. Allele origin: germline. Affected: yes.
Comment: In silico analysis suggests that this missense variant does not alter protein structure/function; Has not been previously published as pathogenic or benign to our knowledge

Fulgent Genetics
Classification: Uncertain significance for Familial adenomatous polyposis 3. Last evaluated: 2024-05-04. Review status: criteria provided, single submitter. Criteria: ACMG Guidelines, 2015. Collection method: clinical testing. Allele origin: germline.

Baylor Genetics
Classification: Uncertain significance for Familial adenomatous polyposis 3. Last evaluated: 2023-12-05. Review status: criteria provided, single submitter. Criteria: ACMG Guidelines, 2015. Collection method: clinical testing. Allele origin: unknown.

Sema4
Classification: Uncertain significance for Hereditary cancer-predisposing syndrome. Last evaluated: 2022-02-23. Review status: criteria provided, single submitter. Criteria: Sema4 Curation Guidelines. Collection method: curation. Allele origin: germline.
Comment: The NTHL1 c.470G>A (p.R157Q) variant has not been reported in the literature to our knowledge. It was observed in 6/35298 chromosomes of the Latino subpopulation in the large and broad cohorts of the Genome Aggregation Database (PMID: 32461654). This variant has been reported in ClinVar (Variation ID 645021). Functional studies have not been performed, and in silico predictions of the variant's effect on protein function are inconclusive. The evidence is insufficient to meet ACMG/AMP criteria for classifying the variant as benign or pathogenic. Thus, the clinical significance of this variant is currently uncertain.

Ambry Genetics
Classification: Likely benign for Hereditary cancer-predisposing syndrome. Last evaluated: 2020-03-25. Review status: criteria provided, single submitter. Criteria: Ambry Variant Classification Scheme 2023. Collection method: clinical testing. Allele origin: germline.